The following is an entry in ClinVar:

NM_005902.4(SMAD3):c.340A>G (p.Asn114Asp)

Gene: SMAD3 (SMAD family member 3; plus strand). Cytogenetic location: 15q22.33.
Variant type: single nucleotide variant.
Coding change: c.340A>G on transcript NM_005902.4 (MANE Select); coding-DNA position 340, A replaced by G.
Protein change: p.Asn114Asp; replaces asparagine 114 with aspartic acid.
Molecular consequence: missense variant.
Genome position (GRCh38, 1-based): chr15:67,165,028, A>G. VCF-style: chr15-67165028-A-G. GRCh37 (hg19) VCF-style: chr15-67457366-A-G.
Other names: c.25A>G, p.Asn9Asp (NM_001145102.2); c.208A>G, p.Asn70Asp (NM_001145103.2); short protein forms N114D, N70D, N9D.
Identifiers: ClinVar variation 1171780 (VCV001171780.7), dbSNP rs2140294134, ClinGen allele CA392954075.

ClinVar aggregate classification (germline): Uncertain significance. Review status: criteria provided, multiple submitters, no conflicts (2 of 4 stars). 2 submissions from 2 submitters: Uncertain significance (2). Last evaluated 2026-09-11.

Conditions:
Familial thoracic aortic aneurysm and aortic dissection (TAAD). Also called: Thoracic aortic aneurysms and dissections. Identifiers: Orphanet 91387, MedGen C4707243, MONDO:0019625.

Allele frequency attached by ClinVar (database versions not stated): gnomAD exomes below 0.00001.
gnomAD v4.1: 2 of 1,614,190 alleles (0.00012%); highest among the groups gnomAD compares: South Asian, 0.0022%; no homozygotes.

Submissions (2):

Ambry Genetics
Classification: Uncertain significance for Familial thoracic aortic aneurysm and aortic dissection. Last evaluated: 2026-09-11. Review status: criteria provided, single submitter. Criteria: Ambry Variant Classification Scheme 2023. Collection method: clinical testing. Allele origin: germline.
Comment: The p.N114D variant (also known as c.340A>G), located in coding exon 2 of the SMAD3 gene, results from an A to G substitution at nucleotide position 340. The asparagine at codon 114 is replaced by aspartic acid, an amino acid with highly similar properties. This amino acid position is conserved. In addition, this alteration is predicted to be tolerated by in silico analysis. Based on the available evidence, the clinical significance of this variant remains unclear.

Color Diagnostics, LLC DBA Color Health
Classification: Uncertain significance for Familial thoracic aortic aneurysm and aortic dissection. Last evaluated: 2024-03-06. Review status: criteria provided, single submitter. Criteria: ACMG Guidelines, 2015. Collection method: clinical testing. Allele origin: germline.
Comment: This missense variant replaces asparagine with aspartic acid at codon 114 of the SMAD3 protein. Computational prediction suggests that this variant may not impact protein structure and function (internally defined REVEL score threshold <= 0.5, PMID: 27666373). To our knowledge, functional studies have not been reported for this variant. This variant has not been reported in individuals affected with cardiovascular disorders in the literature. This variant has not been identified in the general population by the Genome Aggregation Database (gnomAD). The available evidence is insufficient to determine the role of this variant in disease conclusively. Therefore, this variant is classified as a Variant of Uncertain Significance.